The following is an entry in ClinVar:

ClinVar aggregate classification (germline): Uncertain significance (1 of 4 stars; one submission).

Conditions:
BAP1-related tumor predisposition syndrome (TPDS1). Also called: Tumor susceptibility linked to germline BAP1 mutations; COMMON Syndrome; TUMOR PREDISPOSITION SYNDROME 1; BAP1 tumor predisposition syndrome. Identifiers: Orphanet 289539, MedGen C3280492, MONDO:0013692, OMIM 614327.

Submission:

Labcorp Genetics (formerly Invitae), Labcorp
Classification: Uncertain significance for BAP1-related tumor predisposition syndrome. Last evaluated: 2024-10-05. Review status: criteria provided, single submitter. Criteria: Invitae Variant Classification Sherloc (09022015). Collection method: clinical testing. Allele origin: germline.
Comment: This sequence change replaces serine, which is neutral and polar, with arginine, which is basic and polar, at codon 143 of the BAP1 protein (p.Ser143Arg). This variant is not present in population databases (gnomAD no frequency). This variant has not been reported in the literature in individuals affected with BAP1-related conditions. Invitae Evidence Modeling of protein sequence and biophysical properties (such as structural, functional, and spatial information, amino acid conservation, physicochemical variation, residue mobility, and thermodynamic stability) has been performed for this missense variant. However, the output from this modeling did not meet the statistical confidence thresholds required to predict the impact of this variant on BAP1 protein function. In summary, the available evidence is currently insufficient to determine the role of this variant in disease. Therefore, it has been classified as a Variant of Uncertain Significance.

NM_004656.4(BAP1):c.429C>A (p.Ser143Arg)

Gene: BAP1 (BRCA1 associated deubiquitinase 1; minus strand). Cytogenetic location: 3p21.1.
Variant type: single nucleotide variant.
Coding change: c.429C>A on transcript NM_004656.4 (MANE Select); coding-DNA position 429, C replaced by A.
Protein change: p.Ser143Arg; replaces serine 143 with arginine.
Molecular consequence: missense variant.
Genome position (GRCh38, 1-based): chr3:52,407,407, G>T on the plus strand (C>A on the coding strand, the complement: BAP1 is on the minus strand). VCF-style: chr3-52407407-G-T. GRCh37 (hg19) VCF-style: chr3-52441423-G-T.
Other names: c.429C>A, p.Ser143Arg (NM_001410772.1); short protein forms S143R.
Identifiers: ClinVar variation 2746261 (VCV002746261.3), dbSNP rs1217121723, ClinGen allele CA353110704.